The following is an entry in ClinVar:

NM_001282614.2(BEST3):c.1148C>T (p.Pro383Leu)

Gene: BEST3 (bestrophin 3; minus strand). Cytogenetic location: 12q15.
Variant type: single nucleotide variant.
Coding change: c.1148C>T on transcript NM_001282614.2; coding-DNA position 1148, C replaced by T.
Protein change: p.Pro383Leu; replaces proline 383 with leucine.
Molecular consequence: missense variant.
Genome position (GRCh38, 1-based): chr12:69,643,740, G>A on the plus strand (C>T on the coding strand, the complement: BEST3 is on the minus strand). VCF-style: chr12-69643740-G-A. GRCh37 (hg19) VCF-style: chr12-70037520-G-A.
Other names: short protein forms P383L.
Identifiers: ClinVar variation 1234899 (VCV001234899.6), dbSNP rs61747221, ClinGen allele CA6681168.

ClinVar aggregate classification (germline): Benign. Review status: criteria provided, multiple submitters, no conflicts (2 of 4 stars). 2 submissions from 2 submitters: Benign (2). Last evaluated 2019-01-18.

Allele frequency attached by ClinVar (database versions not stated): gnomAD exomes 0.09818 and 0.09910; gnomAD 0.12021 and 0.12049; 1000 Genomes Project 30x 0.13773; 1000 Genomes Project 0.13798; ExAC 0.09978; TOPMed 0.11542.
gnomAD v4.1: 73,982 of 714,342 alleles (10%); highest among the groups gnomAD compares: East Asian, 22%; 4,589 homozygotes.

Submissions (2):

GeneDx
Classification: Benign. Last evaluated: 2019-01-18. Review status: criteria provided, single submitter. Criteria: GeneDx Variant Classification Process June 2021. Collection method: clinical testing. Allele origin: germline. Affected: yes.
Comment: This variant is associated with the following publications: (PMID: 30289819)

Breakthrough Genomics
Classification: Benign. Review status: criteria provided, single submitter. Criteria: ACMG Guidelines, 2015. Collection method: not provided. Allele origin: germline. Inheritance: Unknown mechanism. Affected: yes.